The following is an entry in ClinVar:

NM_014714.4(IFT140):c.35del (p.Pro12fs)

Genes: IFT140 (intraflagellar transport 140; minus strand), LOC105371046 (uncharacterized LOC105371046; plus strand). Cytogenetic location: 16p13.3.
Variant type: Deletion.
Coding change: c.35del on transcript NM_014714.4 (MANE Select); coding-DNA position 35, one base deleted (C; older notation c.35delC).
Protein change: p.Pro12fs; shifts the reading frame from proline 12.
Molecular consequence: frameshift variant.
Genome position (GRCh38, 1-based): chr16:1,607,232, G deleted on the plus strand (C on the coding strand, the reverse complement: IFT140 is on the minus strand); the first of 4 consecutive G bases (chr16:1,607,232-1,607,235); deleting any one gives the same sequence. VCF-style (leftmost placement, unchanged base first): chr16-1607231-CG-C. GRCh37 (hg19) VCF-style: chr16-1657232-CG-C.
Other names: short protein forms P12fs.
Identifiers: ClinVar variation 3236243 (VCV003236243.1), dbSNP rs2508719279, ClinGen allele CA2825002333.

ClinVar aggregate classification (germline): Likely pathogenic (1 of 4 stars; one submission).

Conditions:
Retinitis pigmentosa 80 (RP80). Identifiers: MedGen C4540439, MONDO:0054708, OMIM 617781.

Submission:

MVZ Medizinische Genetik Mainz
Classification: Likely pathogenic for Retinitis pigmentosa 80. Last evaluated: 2023-02-08. Review status: criteria provided, single submitter. Criteria: UK Practice Guidelines For Variant Classification V4 01 2020. Collection method: clinical testing. Allele origin: germline. Inheritance: Autosomal dominant inheritance. Affected: yes. Observed: 1 variant allele.
Comment: ACMG Criteria: PSV1, PM2SUP